The following is an entry in ClinVar:

ClinVar aggregate classification (germline): Uncertain significance. Review status: criteria provided, multiple submitters, no conflicts (2 of 4 stars). 2 submissions from 2 submitters: Uncertain significance (2). Last evaluated 2025-06-21.

Conditions:
Ataxia-telangiectasia syndrome (AT). Also called: LOUIS-BAR SYNDROME; Cerebello-oculocutaneous telangiectasia; Immunodeficiency with ataxia telangiectasia; Ataxia telangiectasia (A-T); Ataxia-telangiectasia, complementation group D; AT, COMPLEMENTATION GROUP C. Identifiers: Orphanet 100, MedGen C0004135, MONDO:0008840, OMIM 208900.
Hereditary cancer-predisposing syndrome. Also called: Tumor predisposition; Neoplastic Syndromes, Hereditary; Hereditary Cancer Syndrome; Hereditary neoplastic syndrome. Identifiers: Orphanet 140162, MedGen C0027672, MeSH D009386, MONDO:0015356.

Submissions (2):

Ambry Genetics
Classification: Uncertain significance for Hereditary cancer-predisposing syndrome. Last evaluated: 2025-06-21. Review status: criteria provided, single submitter. Criteria: Ambry Variant Classification Scheme 2023. Collection method: clinical testing. Allele origin: germline.
Comment: The p.V2664G variant (also known as c.7991T>G), located in coding exon 53 of the ATM gene, results from a T to G substitution at nucleotide position 7991. The valine at codon 2664 is replaced by glycine, an amino acid with dissimilar properties. This amino acid position is conserved. In addition, this alteration is predicted to be deleterious by in silico analysis. Based on the available evidence, the clinical significance of this variant remains unclear.

Labcorp Genetics (formerly Invitae), Labcorp
Classification: Uncertain significance for Ataxia-telangiectasia syndrome. Last evaluated: 2023-02-17. Review status: criteria provided, single submitter. Criteria: Invitae Variant Classification Sherloc (09022015). Collection method: clinical testing. Allele origin: germline.
Comment: This variant disrupts the p.Val2664 amino acid residue in ATM. Other variant(s) that disrupt this residue have been determined to be pathogenic (PMID: 9887333, 10425038, 10817650, 21965147). This suggests that this residue is clinically significant, and that variants that disrupt this residue are likely to be disease-causing. In summary, the available evidence is currently insufficient to determine the role of this variant in disease. Therefore, it has been classified as a Variant of Uncertain Significance. This sequence change replaces valine, which is neutral and non-polar, with glycine, which is neutral and non-polar, at codon 2664 of the ATM protein (p.Val2664Gly). An algorithm developed to predict the effect of missense changes on protein structure and function (PolyPhen-2) suggests that this variant is likely to be disruptive. This variant has not been reported in the literature in individuals affected with ATM-related conditions. This variant is not present in population databases (gnomAD no frequency).

Literature cited by the submitters: PubMed 9887333 (cited by Labcorp Genetics (formerly Invitae), Labcorp); PubMed 10425038 (cited by Labcorp Genetics (formerly Invitae), Labcorp); PubMed 10817650 (cited by Labcorp Genetics (formerly Invitae), Labcorp); PubMed 21965147 (cited by Labcorp Genetics (formerly Invitae), Labcorp).

NM_000051.4(ATM):c.7991T>G (p.Val2664Gly)

Genes: ATM (ATM serine/threonine kinase; plus strand), C11orf65 (chromosome 11 open reading frame 65; minus strand). Cytogenetic location: 11q22.3.
Variant type: single nucleotide variant.
Coding change: c.7991T>G on transcript NM_000051.4 (MANE Select); coding-DNA position 7991, T replaced by G.
Protein change: p.Val2664Gly; replaces valine 2664 with glycine.
Molecular consequence: missense variant. On other transcripts: intron variant (2).
Genome position (GRCh38, 1-based): chr11:108,333,949, T>G. VCF-style: chr11-108333949-T-G. GRCh37 (hg19) VCF-style: chr11-108204676-T-G.
Other names: c.7991T>G, p.Val2664Gly (NM_001351834.2); c.641-24878A>C (NM_001330368.2); c.*38+1271A>C (NM_001351110.2); short protein forms V2664G.
Identifiers: ClinVar variation 2838426 (VCV002838426.4), dbSNP rs2136616559, ClinGen allele CA382561781.